The following is an entry in ClinVar:

GRCh38/hg38 1q23.3-24.1(chr1:164547546-165689403)x1

Genes: ALDH9A1 (aldehyde dehydrogenase 9 family member A1; minus strand), LRRC52 (leucine rich repeat containing 52; plus strand), LRRC52-AS1 (LRRC52 antisense RNA 1; minus strand), MGST3 (microsomal glutathione S-transferase 3; plus strand), LMX1A (LIM homeobox transcription factor 1 alpha; minus strand) and 25 more. Cytogenetic location: 1q23.3-24.1.
Variant type: copy number loss.
Change: copy number 1 (one copy instead of two) of chr1:164,547,546-165,689,403 (1.14 Mb, GRCh38 coordinates, 1-based), cytogenetic band 1q23.3-24.1.
Identifiers: ClinVar variation 59374 (VCV000059374.1).

ClinVar aggregate classification (germline): no classifications from unflagged records (0 of 4 stars; one submission).

Submission:

GeneDx
Classification: Uncertain significance. Last evaluated: 2011-08-12. Review status: flagged submission. Criteria: Kaminsky et al. (Genet Med. 2011). Collection method: clinical testing. Allele origin: unknown. Affected: yes. Observed: 1 variant allele.
ClinVar note: Notes: This submission was flagged because its interpretation of this variant conflicts with the ClinGen Gene Dosage Map curation for the gene PBX1.
ClinVar note: Reason: Conflict with ClinGen Gene Dosage Map